The following is an entry in ClinVar:

NM_000540.3(RYR1):c.1642A>G (p.Ser548Gly)

Gene: RYR1 (ryanodine receptor 1; plus strand). Cytogenetic location: 19q13.2.
Variant type: single nucleotide variant.
Coding change: c.1642A>G on transcript NM_000540.3 (MANE Select); coding-DNA position 1642, A replaced by G.
Protein change: p.Ser548Gly; replaces serine 548 with glycine.
Molecular consequence: missense variant.
Genome position (GRCh38, 1-based): chr19:38,455,516, A>G. VCF-style: chr19-38455516-A-G. GRCh37 (hg19) VCF-style: chr19-38946156-A-G.
Other names: c.1642A>G, p.Ser548Gly (NM_001042723.2); short protein forms S548G.
Identifiers: ClinVar variation 5028632 (VCV005028632.1).

ClinVar aggregate classification (germline): Uncertain significance (1 of 4 stars; one submission).

Conditions:
Inborn genetic diseases. Identifiers: MedGen C0950123, MeSH D030342.

gnomAD v4.1: 1 of 1,614,158 alleles (0.000062%); highest among the groups gnomAD compares: Non-Finnish European, 0.000085%; no homozygotes.

Submission:

Ambry Genetics
Classification: Uncertain significance for Inborn genetic diseases. Last evaluated: 2026-07-07. Review status: criteria provided, single submitter. Criteria: Ambry Variant Classification Scheme 2023. Collection method: clinical testing. Allele origin: germline.
Comment: The p.S548G variant (also known as c.1642A>G), located in coding exon 15 of the RYR1 gene, results from an A to G substitution at nucleotide position 1642. The serine at codon 548 is replaced by glycine, an amino acid with similar properties. This amino acid position is conserved. In addition, the in silico prediction for this alteration is inconclusive. Based on the available evidence, the clinical significance of this variant remains unclear.